The following is an entry in ClinVar:

ClinVar aggregate classification (germline): Pathogenic (1 of 4 stars; one submission).

Conditions:
Carnitine palmitoyl transferase 1A deficiency. Also called: CPT deficiency, hepatic, type IA; Carnitine palmitoyltransferase type I deficiency; CPT I DEFICIENCY; CPT DEFICIENCY, HEPATIC, TYPE I; Carnitine palmitoyltransferase 1A deficiency. Identifiers: Orphanet 156, MedGen C1829703, MONDO:0009705, OMIM 255120.

Submission:

Myriad Genetics, Inc.
Classification: Pathogenic for Carnitine palmitoyl transferase 1A deficiency. Last evaluated: 2023-11-20. Review status: criteria provided, single submitter. Criteria: Myriad Autosomal Dominant, Autosomal Recessive and X-Linked Classification Criteria (2023). Collection method: clinical testing. Allele origin: unknown.
Comment: NM_001876.3(CPT1A):c.398_399dupAC(G134Tfs*11) is expected to be pathogenic in the context of carnitine palmitoyltransferase IA deficiency. This variant is predicted to lead to an abnormal or absent protein product due to the creation of a premature termination codon in CPT1A, a gene where loss-of-function variants are known to be pathogenic. Please note: this variant was assessed in the context of healthy population screening.

NM_001876.4(CPT1A):c.398_399dup (p.Gly134fs)

Gene: CPT1A (carnitine palmitoyltransferase 1A; minus strand). Cytogenetic location: 11q13.3.
Variant type: Duplication.
Coding change: c.398_399dup on transcript NM_001876.4 (MANE Select); coding-DNA positions 398 to 399, 2 bases duplicated (AC; older notation c.398_399dupAC).
Protein change: p.Gly134fs; shifts the reading frame from glycine 134.
Molecular consequence: frameshift variant.
Genome position (GRCh38, 1-based): chr11:68,807,521-68,807,522, GT duplicated on the plus strand (AC on the coding strand, the reverse complement: CPT1A is on the minus strand); duplicating any 2 consecutive bases within chr11:68,807,521-68,807,523 gives the same sequence; the c. name uses the placement nearest the transcript's 3' end. VCF-style (leftmost placement, unchanged base first): chr11-68807520-C-CGT. GRCh37 (hg19) VCF-style: chr11-68574988-C-CGT.
Other names: c.398_399dup, p.Gly134fs (NM_001031847.3, NM_001440358.1, NM_001440359.1 and 6 more transcripts); short protein forms G134fs.
Identifiers: ClinVar variation 5012504 (VCV005012504.1).